The following is an entry in ClinVar:

ClinVar aggregate classification (germline): Pathogenic/Likely pathogenic. Review status: criteria provided, multiple submitters, no conflicts (2 of 4 stars). 2 submissions from 2 submitters: Pathogenic (1); Likely pathogenic (1). Last evaluated 2018-07-01.

Conditions:
Tubulinopathy. Also called: Tubulinopathies. Identifiers: MedGen CN850169, MONDO:0100153.

Submissions (2):

Institute of Human Genetics, FAU Erlangen, Friedrich-Alexander-Universität Erlangen-Nürnberg
Classification: Likely pathogenic for Tubulinopathies. Last evaluated: 2018-07-01. Review status: criteria provided, single submitter. Criteria: ACMG Guidelines, 2015. Collection method: literature only. Allele origin: germline. Affected: yes. Observed: 1 variant allele.
Comment: The c.1168C>G, p.(Arg390Gly) variant has been reported as a variant of germline/unknown origin.

GeneDx
Classification: Pathogenic. Last evaluated: 2017-07-03. Review status: criteria provided, single submitter. Criteria: GeneDx Variant Classification (06012015). Collection method: clinical testing. Allele origin: germline. Affected: yes.
Comment: The R390G variant in the TUBA1A gene has not been reported previously as a pathogenic variant nor as a benign variant, to our knowledge. However, de novo missense variants in the same residue (R390C, R390H) have been reported in association with TUBA1A-related disorder (Kumar et al., 2010; Poirier et al., 2013; Zanni et al., 2013). The R390G variant is not observed in large population cohorts (Lek et al., 2016; 1000 Genomes Consortium et al., 2015; Exome Variant Server). The R390G variant is a non-conservative amino acid substitution, which is likely to impact secondary protein structure as these residues differ in polarity, charge, size and/or other properties. This substitution occurs at a position that is not conserved. In silico analysis predicts this variant is probably damaging to the protein structure/function. We interpret R390G as a pathogenic variant.

Literature cited by the submitters: PubMed 30744660 (cited by Institute of Human Genetics, FAU Erlangen, Friedrich-Alexander-Universität Erlangen-Nürnberg); DOI 10.1101/427948 (cited by Institute of Human Genetics, FAU Erlangen, Friedrich-Alexander-Universität Erlangen-Nürnberg).

NM_006009.4(TUBA1A):c.1168C>G (p.Arg390Gly)

Gene: TUBA1A (tubulin alpha 1a; minus strand). Cytogenetic location: 12q13.12.
Variant type: single nucleotide variant.
Coding change: c.1168C>G on transcript NM_006009.4 (MANE Select); coding-DNA position 1168, C replaced by G.
Protein change: p.Arg390Gly; replaces arginine 390 with glycine.
Molecular consequence: missense variant.
Genome position (GRCh38, 1-based): chr12:49,185,198, G>C on the plus strand (C>G on the coding strand, the complement: TUBA1A is on the minus strand). VCF-style: chr12-49185198-G-C. GRCh37 (hg19) VCF-style: chr12-49578981-G-C.
Other names: c.1168C>G, p.Arg390Gly (NM_001270399.2); c.1063C>G, p.Arg355Gly (NM_001270400.2); short protein forms R390G, R355G.
Identifiers: ClinVar variation 450183 (VCV000450183.2), dbSNP rs1064793286, ClinGen allele CA384635119.